The following is an entry in ClinVar:

NM_032043.3(BRIP1):c.19G>C (p.Glu7Gln)

Gene: BRIP1 (BRCA1 interacting DNA helicase 1; minus strand). Cytogenetic location: 17q23.2.
Variant type: single nucleotide variant.
Coding change: c.19G>C on transcript NM_032043.3 (MANE Select); coding-DNA position 19, G replaced by C.
Protein change: p.Glu7Gln; replaces glutamic acid 7 with glutamine.
Molecular consequence: missense variant.
Genome position (GRCh38, 1-based): chr17:61,861,521, C>G on the plus strand (G>C on the coding strand, the complement: BRIP1 is on the minus strand). VCF-style: chr17-61861521-C-G. GRCh37 (hg19) VCF-style: chr17-59938882-C-G.
Other names: short protein forms E7Q.
Identifiers: ClinVar variation 820492 (VCV000820492.15), dbSNP rs1246321339, ClinGen allele CA400486062.

ClinVar aggregate classification (germline): Uncertain significance. Review status: criteria provided, multiple submitters, no conflicts (2 of 4 stars). 2 submissions from 2 submitters: Uncertain significance (2). Last evaluated 2025-07-01.

Conditions:
Familial cancer of breast. Also called: Hereditary breast cancer; hereditary breast carcinoma; BREAST CANCER, FAMILIAL. Identifiers: Orphanet 227535, MedGen C0346153, MONDO:0016419, OMIM 114480. Disease mechanism: loss of function.
Fanconi anemia complementation group J. Also called: BRIP1-Related Fanconi Anemia. Identifiers: Orphanet 84, MedGen C1836860, MONDO:0012187, OMIM 609054.
Hereditary cancer-predisposing syndrome. Also called: Hereditary Cancer Syndrome; Neoplastic Syndromes, Hereditary; Hereditary neoplastic syndrome; Tumor predisposition. Identifiers: Orphanet 140162, MedGen C0027672, MeSH D009386, MONDO:0015356.

Allele frequency attached by ClinVar (database versions not stated): TOPMed below 0.00001; gnomAD 0.00001.
gnomAD v4.1: 1 of 1,612,060 alleles (0.000062%); highest among the groups gnomAD compares: Non-Finnish European, 0.000085%; no homozygotes.

Submissions (2):

Ambry Genetics
Classification: Uncertain significance for Hereditary cancer-predisposing syndrome. Last evaluated: 2025-07-01. Review status: criteria provided, single submitter. Criteria: Ambry Variant Classification Scheme 2023. Collection method: clinical testing. Allele origin: germline.
Comment: The p.E7Q variant (also known as c.19G>C), located in coding exon 1 of the BRIP1 gene, results from a G to C substitution at nucleotide position 19. The glutamic acid at codon 7 is replaced by glutamine, an amino acid with highly similar properties. This amino acid position is well conserved in available vertebrate species. In addition, this alteration is predicted to be tolerated by in silico analysis. Since supporting evidence is limited at this time, the clinical significance of this alteration remains unclear.

Labcorp Genetics (formerly Invitae), Labcorp
Classification: Uncertain significance for Familial cancer of breast; Fanconi anemia complementation group J. Last evaluated: 2021-02-17. Review status: criteria provided, single submitter. Criteria: Invitae Variant Classification Sherloc (09022015). Collection method: clinical testing. Allele origin: germline.
Comment: In summary, the available evidence is currently insufficient to determine the role of this variant in disease. Therefore, it has been classified as a Variant of Uncertain Significance. Algorithms developed to predict the effect of missense changes on protein structure and function (SIFT, PolyPhen-2, Align-GVGD) all suggest that this variant is likely to be tolerated, but these predictions have not been confirmed by published functional studies and their clinical significance is uncertain. This variant has not been reported in the literature in individuals with BRIP1-related conditions. ClinVar contains an entry for this variant (Variation ID: 820492). This variant is not present in population databases (ExAC no frequency). This sequence change replaces glutamic acid with glutamine at codon 7 of the BRIP1 protein (p.Glu7Gln). The glutamic acid residue is moderately conserved and there is a small physicochemical difference between glutamic acid and glutamine.